The following is an entry in ClinVar:

NM_004187.5(KDM5C):c.3778G>T (p.Ala1260Ser)

Gene: KDM5C (lysine demethylase 5C; minus strand). Cytogenetic location: Xp11.22.
Variant type: single nucleotide variant.
Coding change: c.3778G>T on transcript NM_004187.5 (MANE Select); coding-DNA position 3778, G replaced by T.
Protein change: p.Ala1260Ser; replaces alanine 1260 with serine.
Molecular consequence: missense variant. On other transcripts: non-coding transcript variant (3).
Genome position (GRCh38, 1-based): chrX:53,194,399, C>A on the plus strand (G>T on the coding strand, the complement: KDM5C is on the minus strand). VCF-style: chrX-53194399-C-A. GRCh37 (hg19) VCF-style: chrX-53223581-C-A.
Other names: c.3577G>T, p.Ala1193Ser (NM_001146702.2); c.3775G>T, p.Ala1259Ser (NM_001282622.3, NM_001353979.2, NM_001353982.2); c.3778G>T, p.Ala1260Ser (NM_001353978.3, NM_001353981.2, NM_001353984.2); short protein forms A1193S, A1259S, A1260S.
Identifiers: ClinVar variation 695363 (VCV000695363.13), dbSNP rs782770109, ClinGen allele CA10419183.
Genomic context (GRCh38, chrX:53,194,399, plus strand): 5'-ACTGCAGGGCCTCGCCCTCGGGCAGCCGCACAGGCAGTCTCTGCAGGGCTACCAGCAGTG[C>A]CAGGATGGTCTCCAGGCGCGGGCGCCTTGAGCGCATACACAGTGGACACAGGAATTTGGT-3'
Protein context (NP_004178.2, residues 1250-1270): SRRPRLETIL[Ala1260Ser]LLVALQRLPV

ClinVar aggregate classification (germline): Conflicting classifications of pathogenicity. Review status: criteria provided, conflicting classifications (1 of 4 stars). 4 submissions from 4 submitters: Uncertain significance (1); Benign (1); Likely benign (1). 1 of the submissions does not count toward it. Last evaluated 2026-01-15.

Conditions:
KDM5C-related disorder. Also called: KDM5C-related condition.
Inborn genetic diseases. Identifiers: MedGen C0950123, MeSH D030342.
Spastic paraplegia. Identifiers: MedGen C0037772, HP:0001258.

Allele frequency attached by ClinVar (database versions not stated): gnomAD 0.00004 and 0.00005; TOPMed 0.00004.
gnomAD v4.1: 122 of 1,211,092 alleles (0.01%); highest among the groups gnomAD compares: Non-Finnish European, 0.013%; no homozygotes.

Submissions (4):

Labcorp Genetics (formerly Invitae), Labcorp
Classification: Benign for Spastic paraplegia. Last evaluated: 2026-01-15. Review status: criteria provided, single submitter. Criteria: Invitae Variant Classification Sherloc (09022015). Collection method: clinical testing. Allele origin: germline.

Blueprint Genetics
Classification: Uncertain significance. Last evaluated: 2024-06-12. Review status: criteria provided, single submitter. Criteria: ACMG Guidelines, 2015. Collection method: clinical testing. Allele origin: germline.

Ambry Genetics
Classification: Likely benign for Inborn genetic diseases. Last evaluated: 2020-03-11. Review status: criteria provided, single submitter. Criteria: Ambry Variant Classification Scheme 2023. Collection method: clinical testing. Allele origin: germline.

PreventionGenetics, part of Exact Sciences
Classification: Likely benign for KDM5C-related condition. Last evaluated: 2022-09-14. Review status: no assertion criteria provided. Collection method: clinical testing. Allele origin: germline. Not counted in ClinVar's aggregate classification.
Comment: This variant is classified as likely benign based on ACMG/AMP sequence variant interpretation guidelines (Richards et al. 2015 PMID: 25741868, with internal and published modifications).